The following is an entry in ClinVar:

NM_025216.3(WNT10A):c.85C>T (p.Leu29=)

Gene: WNT10A (Wnt family member 10A; plus strand). Cytogenetic location: 2q35.
Variant type: single nucleotide variant.
Coding change: c.85C>T on transcript NM_025216.3 (MANE Select); coding-DNA position 85, C replaced by T.
Protein change: p.Leu29=; no amino-acid change (leucine 29 retained).
Molecular consequence: synonymous variant.
Genome position (GRCh38, 1-based): chr2:218,881,080, C>T. VCF-style: chr2-218881080-C-T. GRCh37 (hg19) VCF-style: chr2-219745802-C-T.
Identifiers: ClinVar variation 334392 (VCV000334392.15), dbSNP rs115839019, ClinGen allele CA2113822.
Genomic context (GRCh38, chr2:218,881,080, plus strand): 5'-TGGCTGCGGCTCCGACCCCAGCCCCAGCCGCGGCCAGCGCTCTGGGTGCTCCTGTTCTTC[C>T]TACTGCTGCTGGCTGCTGCCATGCCCAGGTGAGCCCTCACCTCATGCTCCGCCCTCCTAG-3'
Protein context (NP_079492.2, residues 19-39): RPALWVLLFF[Leu29=]LLLAAAMPRS

ClinVar aggregate classification (germline): Benign. Review status: criteria provided, multiple submitters, no conflicts (2 of 4 stars). 4 submissions from 2 submitters: Benign (4). Last evaluated 2026-01-28.

Conditions:
Tooth agenesis, selective, 4 (STHAG4). Also called: SUCCEDANEOUS TEETH, AGENESIS OF; LATERAL INCISORS, ABSENCE OF; LATERAL INCISORS, PEGGED OR MISSING; TOOTH AGENESIS, SELECTIVE, 4, WITH OR WITHOUT ECTODERMAL DYSPLASIA. Identifiers: Orphanet 99798, MedGen C1835492, MONDO:0007881, OMIM 150400. Disease mechanism: loss of function.
Odonto-onycho-dermal dysplasia. Identifiers: Orphanet 2721, MedGen C0796093, MONDO:0009773, OMIM 257980.
Schöpf-Schulz-Passarge syndrome. Also called: ECCRINE TUMORS WITH ECTODERMAL DYSPLASIA; KERATOSIS PALMOPLANTARIS WITH CYSTIC EYELIDS, HYPODONTIA, AND HYPOTRICHOSIS; SchC6pf-Schulz-Passarge syndrome. Identifiers: Orphanet 50944, MedGen C1857069, MONDO:0009145, OMIM 224750.

Allele frequency attached by ClinVar (database versions not stated): gnomAD exomes 0.00074 and 0.00189; ExAC 0.00440; ESP Exome Variant Server 0.00644; 1000 Genomes Project 0.00899; gnomAD 0.00899 and 0.00957; 1000 Genomes Project 30x 0.00937; TOPMed 0.00976.

Submissions (4):

Labcorp Genetics (formerly Invitae), Labcorp
Classification: Benign for Tooth agenesis, selective, 4; Odonto-onycho-dermal dysplasia. Last evaluated: 2026-01-28. Review status: criteria provided, single submitter. Criteria: Invitae Variant Classification Sherloc (09022015). Collection method: clinical testing. Allele origin: germline.

Illumina Laboratory Services, Illumina
Classification: Benign for Tooth agenesis, selective, 4. Last evaluated: 2018-01-13. Review status: criteria provided, single submitter. Criteria: ICSL Variant Classification Criteria 13 December 2019. Collection method: clinical testing. Allele origin: germline.
Comment: This variant was observed in the ICSL laboratory as part of a predisposition screen in an ostensibly healthy population. It had not been previously curated by ICSL or reported in the Human Gene Mutation Database (HGMD: prior to June 1st, 2018), and was therefore a candidate for classification through an automated scoring system. Utilizing variant allele frequency, disease prevalence and penetrance estimates, and inheritance mode, an automated score was calculated to assess if this variant is too frequent to cause the disease. Based on the score and internal cut-off values, a variant classified as benign is not then subjected to further curation. The score for this variant resulted in a classification of benign for this disease.

Illumina Laboratory Services, Illumina
Classification: Benign for Odonto-onycho-dermal dysplasia. Last evaluated: 2018-01-13. Review status: criteria provided, single submitter. Criteria: ICSL Variant Classification Criteria 13 December 2019. Collection method: clinical testing. Allele origin: germline.
Comment: the same text as in the submission from Illumina Laboratory Services, Illumina above.

Illumina Laboratory Services, Illumina
Classification: Benign for Schöpf-Schulz-Passarge syndrome. Last evaluated: 2018-01-13. Review status: criteria provided, single submitter. Criteria: ICSL Variant Classification Criteria 13 December 2019. Collection method: clinical testing. Allele origin: germline.
Comment: the same text as in the submission from Illumina Laboratory Services, Illumina above.